The following is an entry in ClinVar:

NM_012062.5(DNM1L):c.1603A>G (p.Lys535Glu)

Gene: DNM1L (dynamin 1 like; plus strand). Cytogenetic location: 12p11.21.
Variant type: single nucleotide variant.
Coding change: c.1603A>G on transcript NM_012062.5 (MANE Select); coding-DNA position 1603, A replaced by G.
Protein change: p.Lys535Glu; replaces lysine 535 with glutamic acid.
Molecular consequence: missense variant. On other transcripts: intron variant (3).
Genome position (GRCh38, 1-based): chr12:32,737,871, A>G. VCF-style: chr12-32737871-A-G. GRCh37 (hg19) VCF-style: chr12-32890805-A-G.
Other names: c.1603A>G, p.Lys535Glu (NM_001278463.2); c.1642A>G, p.Lys548Glu (NM_001278464.2, NM_001278465.2); c.994A>G, p.Lys332Glu (NM_001278466.2); c.1635+710A>G (NM_001330380.2); c.1597-393A>G (NM_012063.4); c.1596+710A>G (NM_005690.5); short protein forms K332E, K535E, K548E.
Identifiers: ClinVar variation 3061183 (VCV003061183.2), dbSNP rs2541109597, ClinGen allele CA384361263.

ClinVar aggregate classification (germline): Uncertain significance (0 of 4 stars; one submission).

Conditions:
DNM1L-related disorder. Also called: DNM1L-related condition.

Allele frequency attached by ClinVar (database versions not stated): gnomAD exomes below 0.00001.
gnomAD v4.1: 2 of 1,613,948 alleles (0.00012%); highest among the groups gnomAD compares: Non-Finnish European, 0.00017%; no homozygotes.

Submission:

PreventionGenetics, part of Exact Sciences
Classification: Uncertain significance for DNM1L-related condition. Last evaluated: 2024-02-21. Review status: no assertion criteria provided. Collection method: clinical testing. Allele origin: germline.
Comment: The DNM1L c.1603A>G variant is predicted to result in the amino acid substitution p.Lys535Glu. To our knowledge, this variant has not been reported in the literature or in a large population database, indicating this variant is rare. At this time, the clinical significance of this variant is uncertain due to the absence of conclusive functional and genetic evidence.